The following is an entry in ClinVar:

ClinVar aggregate classification (germline): Likely benign. Review status: criteria provided, multiple submitters, no conflicts (2 of 4 stars). 4 submissions from 4 submitters: Likely benign (4). Last evaluated 2025-11-26.

Conditions:
Familial thoracic aortic aneurysm and aortic dissection (TAAD). Also called: Thoracic aortic aneurysms and dissections. Identifiers: Orphanet 91387, MedGen C4707243, MONDO:0019625.
Aortic aneurysm, familial thoracic 4 (AAT4). Also called: AORTIC ANEURYSM/AORTIC DISSECTION AND PATENT DUCTUS ARTERIOSUS. Identifiers: MedGen C1851504, MONDO:0007568, OMIM 132900.

Allele frequency attached by ClinVar (database versions not stated): TOPMed 0.00001.
gnomAD v4.1: 3 of 1,614,120 alleles (0.00019%); highest among the groups gnomAD compares: Non-Finnish European, 0.00025%; no homozygotes.

Submissions (4):

Labcorp Genetics (formerly Invitae), Labcorp
Classification: Likely benign for Aortic aneurysm, familial thoracic 4. Last evaluated: 2025-11-26. Review status: criteria provided, single submitter. Criteria: Invitae Variant Classification Sherloc (09022015). Collection method: clinical testing. Allele origin: germline.

All of Us Research Program, National Institutes of Health
Classification: Likely benign for Familial thoracic aortic aneurysm and aortic dissection. Last evaluated: 2023-12-07. Review status: criteria provided, single submitter. Criteria: ACMG Guidelines, 2015. Collection method: clinical testing. Allele origin: germline. Inheritance: Autosomal dominant inheritance. Observed: 4 variant alleles, 4 heterozygotes.
Comment: This study involves interpretation of variants in research participants for the purpose of population health screening. Participant phenotype was not available at the time of variant classification. Additional details can be found in publication PMID: 35346344, PMCID: PMC8962531

Ambry Genetics
Classification: Likely benign for Familial thoracic aortic aneurysm and aortic dissection. Last evaluated: 2020-09-23. Review status: criteria provided, single submitter. Criteria: Ambry Variant Classification Scheme 2023. Collection method: clinical testing. Allele origin: germline.

Color Diagnostics, LLC DBA Color Health
Classification: Likely benign for Familial thoracic aortic aneurysm and aortic dissection. Last evaluated: 2019-03-30. Review status: criteria provided, single submitter. Criteria: ACMG Guidelines, 2015. Collection method: clinical testing. Allele origin: germline.

NM_002474.3(MYH11):c.3379C>T (p.Leu1127=)

Gene: MYH11 (myosin heavy chain 11; minus strand). Cytogenetic location: 16p13.11.
Variant type: single nucleotide variant.
Coding change: c.3379C>T on transcript NM_002474.3 (MANE Select); coding-DNA position 3379, C replaced by T.
Protein change: p.Leu1127=; no amino-acid change (leucine 1127 retained).
Molecular consequence: synonymous variant.
Genome position (GRCh38, 1-based): chr16:15,735,493, G>A on the plus strand (C>T on the coding strand, the complement: MYH11 is on the minus strand). VCF-style: chr16-15735493-G-A. GRCh37 (hg19) VCF-style: chr16-15829350-G-A.
Other names: c.3400C>T, p.Leu1134= (NM_001040113.2, NM_001040114.2); c.3379C>T, p.Leu1127= (NM_022844.3).
Identifiers: ClinVar variation 263582 (VCV000263582.11), dbSNP rs886038854, ClinGen allele CA10587888.